The following is an entry in ClinVar:

NM_001365536.1(SCN9A):c.5921C>T (p.Thr1974Ile)

Genes: SCN9A (sodium voltage-gated channel alpha subunit 9; minus strand), SCN1A-AS1 (SCN1A and SCN9A antisense RNA 1; plus strand). Cytogenetic location: 2q24.3.
Variant type: single nucleotide variant.
Coding change: c.5921C>T on transcript NM_001365536.1 (MANE Select); coding-DNA position 5921, C replaced by T.
Protein change: p.Thr1974Ile; replaces threonine 1974 with isoleucine.
Molecular consequence: missense variant.
Genome position (GRCh38, 1-based): chr2:166,198,718, G>A on the plus strand (C>T on the coding strand, the complement: SCN9A is on the minus strand). VCF-style: chr2-166198718-G-A. GRCh37 (hg19) VCF-style: chr2-167055228-G-A.
Other names: c.5888C>T, p.Thr1963Ile (NM_002977.4); short protein forms T1963I, T1974I.
Identifiers: ClinVar variation 1011667 (VCV001011667.9), dbSNP rs1693322753, ClinGen allele CA349051053.

ClinVar aggregate classification (germline): Uncertain significance (1 of 4 stars; one submission).

Conditions:
Generalized epilepsy with febrile seizures plus, type 7 (GEFSP7). Also called: GEFS+, TYPE 7. Identifiers: Orphanet 36387, MedGen C2751778, MONDO:0013470, OMIM 613863.
Neuropathy, hereditary sensory and autonomic, type 2A (HSAN2A). Also called: ACROOSTEOLYSIS, GIACCAI TYPE; ACROOSTEOLYSIS, NEUROGENIC; MORVAN DISEASE; NEUROPATHY, CONGENITAL SENSORY; NEUROPATHY, HEREDITARY SENSORY RADICULAR, AUTOSOMAL RECESSIVE; NEUROPATHY, HEREDITARY SENSORY, TYPE IIA. Identifiers: Orphanet 970, MedGen C2752089, MONDO:0024309, OMIM 201300.

Allele frequency attached by ClinVar (database versions not stated): gnomAD exomes below 0.00001.

Submission:

Labcorp Genetics (formerly Invitae), Labcorp
Classification: Uncertain significance for Neuropathy, hereditary sensory and autonomic, type 2A; Generalized epilepsy with febrile seizures plus, type 7. Last evaluated: 2020-03-02. Review status: criteria provided, single submitter. Criteria: Invitae Variant Classification Sherloc (09022015). Collection method: clinical testing. Allele origin: germline.
Comment: In summary, the available evidence is currently insufficient to determine the role of this variant in disease. Therefore, it has been classified as a Variant of Uncertain Significance. Algorithms developed to predict the effect of missense changes on protein structure and function (SIFT, PolyPhen-2, Align-GVGD) all suggest that this variant is likely to be tolerated, but these predictions have not been confirmed by published functional studies and their clinical significance is uncertain. This variant has not been reported in the literature in individuals with SCN9A-related conditions. This variant is not present in population databases (ExAC no frequency). This sequence change replaces threonine with isoleucine at codon 1963 of the SCN9A protein (p.Thr1963Ile). The threonine residue is moderately conserved and there is a moderate physicochemical difference between threonine and isoleucine.